The following is an entry in ClinVar:

NM_020738.4(KIDINS220):c.1511T>C (p.Leu504Pro)

Gene: KIDINS220 (kinase D interacting substrate 220; minus strand). Cytogenetic location: 2p25.1.
Variant type: single nucleotide variant.
Coding change: c.1511T>C on transcript NM_020738.4 (MANE Select); coding-DNA position 1511, T replaced by C.
Protein change: p.Leu504Pro; replaces leucine 504 with proline.
Molecular consequence: missense variant. On other transcripts: non-coding transcript variant (2).
Genome position (GRCh38, 1-based): chr2:8,789,990, A>G on the plus strand (T>C on the coding strand, the complement: KIDINS220 is on the minus strand). VCF-style: chr2-8789990-A-G. GRCh37 (hg19) VCF-style: chr2-8930120-A-G.
Other names: c.1514T>C, p.Leu505Pro (NM_001348729.2, NM_001348731.2, NM_001348734.2 and 3 more transcripts); c.1511T>C, p.Leu504Pro (NM_001348732.2, NM_001348735.2, NM_001348738.2 and 3 more transcripts); c.1385T>C, p.Leu462Pro (NM_001348736.2); short protein forms L462P, L504P, L505P.
Identifiers: ClinVar variation 916453 (VCV000916453.44), dbSNP rs1672973671, ClinGen allele CA345767939.

ClinVar aggregate classification (germline): Uncertain significance. Review status: criteria provided, multiple submitters, no conflicts (2 of 4 stars). 2 submissions from 2 submitters: Uncertain significance (2). Last evaluated 2022-05-25.

Allele frequency attached by ClinVar (database versions not stated): TOPMed below 0.00001; gnomAD 0.00001; gnomAD exomes 0.00001.
gnomAD v4.1: 5 of 1,613,618 alleles (0.00031%); highest among the groups gnomAD compares: Non-Finnish European, 0.00042%; no homozygotes.

Submissions (2):

Labcorp Genetics (formerly Invitae), Labcorp
Classification: Uncertain significance. Last evaluated: 2022-05-25. Review status: criteria provided, single submitter. Criteria: Invitae Variant Classification Sherloc (09022015). Collection method: clinical testing. Allele origin: germline.
Comment: This sequence change replaces leucine, which is neutral and non-polar, with proline, which is neutral and non-polar, at codon 504 of the KIDINS220 protein (p.Leu504Pro). In summary, the available evidence is currently insufficient to determine the role of this variant in disease. Therefore, it has been classified as a Variant of Uncertain Significance. Algorithms developed to predict the effect of missense changes on protein structure and function are either unavailable or do not agree on the potential impact of this missense change (SIFT: "Deleterious"; PolyPhen-2: "Probably Damaging"; Align-GVGD: "Class C0"). ClinVar contains an entry for this variant (Variation ID: 916453). This variant has not been reported in the literature in individuals affected with KIDINS220-related conditions. This variant is not present in population databases (gnomAD no frequency).

CeGaT Center for Human Genetics Tuebingen
Classification: Uncertain significance. Last evaluated: 2020-02-01. Review status: criteria provided, single submitter. Criteria: CeGaT Center For Human Genetics Tuebingen Variant Classification Criteria Version 2. Collection method: clinical testing. Allele origin: germline. Affected: yes. Observed: 1 variant allele.